The following is an entry in ClinVar:

ClinVar aggregate classification (germline): Likely benign (1 of 4 stars; one submission).

Allele frequency attached by ClinVar (database versions not stated): gnomAD exomes below 0.00001.
gnomAD v4.1: 3 of 1,613,650 alleles (0.00019%); highest among the groups gnomAD compares: Non-Finnish European, 0.00025%; no homozygotes.

Submission:

CeGaT Center for Human Genetics Tuebingen
Classification: Likely benign. Last evaluated: 2023-01-01. Review status: criteria provided, single submitter. Criteria: CeGaT Center For Human Genetics Tuebingen Variant Classification Criteria Version 2. Collection method: clinical testing. Allele origin: germline. Affected: yes. Observed: 1 variant allele.
Comment: THEM4: BP4, BP7

NM_053055.5(THEM4):c.489T>C (p.Thr163=)

Gene: THEM4 (thioesterase superfamily member 4; minus strand). Cytogenetic location: 1q21.3.
Variant type: single nucleotide variant.
Coding change: c.489T>C on transcript NM_053055.5 (MANE Select); coding-DNA position 489, T replaced by C.
Protein change: p.Thr163=; no amino-acid change (threonine 163 retained).
Molecular consequence: synonymous variant.
Genome position (GRCh38, 1-based): chr1:151,888,341, A>G on the plus strand (T>C on the coding strand, the complement: THEM4 is on the minus strand). VCF-style: chr1-151888341-A-G. GRCh37 (hg19) VCF-style: chr1-151860817-A-G.
Identifiers: ClinVar variation 2639184 (VCV002639184.24), dbSNP rs1335403752, ClinGen allele CA420773350.